The following is an entry in ClinVar:

NM_001396959.1(TBC1D1):c.934T>C (p.Leu312=)

Gene: TBC1D1 (TBC1 domain family member 1; plus strand). Cytogenetic location: 4p14.
Variant type: single nucleotide variant.
Coding change: c.934T>C on transcript NM_001396959.1 (MANE Select); coding-DNA position 934, T replaced by C.
Protein change: p.Leu312=; no amino-acid change (leucine 312 retained).
Molecular consequence: synonymous variant.
Genome position (GRCh38, 1-based): chr4:38,018,405, T>C. VCF-style: chr4-38018405-T-C. GRCh37 (hg19) VCF-style: chr4-38020026-T-C.
Other names: c.934T>C, p.Leu312= (NM_001253912.2, NM_015173.4).
Identifiers: ClinVar variation 3905017 (VCV003905017.10).

ClinVar aggregate classification (germline): Likely benign (1 of 4 stars; one submission).

gnomAD v4.1: 304 of 1,612,402 alleles (0.019%); highest among the groups gnomAD compares: Middle Eastern, 0.12%; 1 homozygote.

Submission:

CeGaT Center for Human Genetics Tuebingen
Classification: Likely benign. Last evaluated: 2025-06-01. Review status: criteria provided, single submitter. Criteria: CeGaT Center For Human Genetics Tuebingen Variant Classification Criteria Version 2. Collection method: clinical testing. Allele origin: germline. Affected: yes. Observed: 1 variant allele.
Comment: TBC1D1: BP4, BP7